The following is an entry in ClinVar:

ClinVar aggregate classification (germline): Likely benign. Review status: criteria provided, multiple submitters, no conflicts (2 of 4 stars). 3 submissions from 3 submitters: Likely benign (3). Last evaluated 2025-03-05.

Conditions:
Inborn genetic diseases. Identifiers: MedGen C0950123, MeSH D030342.
Developmental and epileptic encephalopathy, 30 (DEE30). Also called: Epileptic encephalopathy, early infantile, 30. Identifiers: MedGen C4225360, MONDO:0014595, OMIM 616341.

Allele frequency attached by ClinVar (database versions not stated): ExAC 0.00002; gnomAD exomes 0.00002.

Submissions (3):

Labcorp Genetics (formerly Invitae), Labcorp
Classification: Likely benign for Developmental and epileptic encephalopathy, 30. Last evaluated: 2025-03-05. Review status: criteria provided, single submitter. Criteria: Invitae Variant Classification Sherloc (09022015). Collection method: clinical testing. Allele origin: germline.

CeGaT Center for Human Genetics Tuebingen
Classification: Likely benign. Last evaluated: 2023-03-01. Review status: criteria provided, single submitter. Criteria: CeGaT Center For Human Genetics Tuebingen Variant Classification Criteria Version 2. Collection method: clinical testing. Allele origin: germline. Affected: yes. Observed: 1 variant allele.
Comment: SIK1: BP4, BP7

Ambry Genetics
Classification: Likely benign for Inborn genetic diseases. Last evaluated: 2019-03-25. Review status: criteria provided, single submitter. Criteria: Ambry Variant Classification Scheme 2023. Collection method: clinical testing. Allele origin: germline.

NM_173354.5(SIK1):c.1068C>T (p.Pro356=)

Gene: SIK1 (salt inducible kinase 1; minus strand). Cytogenetic location: 21q22.3.
Variant type: single nucleotide variant.
Coding change: c.1068C>T on transcript NM_173354.5 (MANE Select); coding-DNA position 1068, C replaced by T.
Protein change: p.Pro356=; no amino-acid change (proline 356 retained).
Molecular consequence: synonymous variant.
Genome position (GRCh38, 1-based): chr21:43,419,910, G>A on the plus strand (C>T on the coding strand, the complement: SIK1 is on the minus strand). VCF-style: chr21-43419910-G-A. GRCh37 (hg19) VCF-style: chr21-44839790-G-A.
Identifiers: ClinVar variation 735194 (VCV000735194.35), dbSNP rs776984333, ClinGen allele CA321326495.